The following is an entry in ClinVar:

ClinVar aggregate classification (germline): Uncertain significance (1 of 4 stars; one submission).

Allele frequency attached by ClinVar (database versions not stated): gnomAD exomes below 0.00001.

Submission:

Labcorp Genetics (formerly Invitae), Labcorp
Classification: Uncertain significance. Last evaluated: 2022-08-13. Review status: criteria provided, single submitter. Criteria: Invitae Variant Classification Sherloc (09022015). Collection method: clinical testing. Allele origin: germline.
Comment: This sequence change replaces glutamic acid, which is acidic and polar, with lysine, which is basic and polar, at codon 875 of the LPIN1 protein (p.Glu875Lys). This variant is not present in population databases (gnomAD no frequency). This variant has not been reported in the literature in individuals affected with LPIN1-related conditions. Algorithms developed to predict the effect of missense changes on protein structure and function (SIFT, PolyPhen-2, Align-GVGD) all suggest that this variant is likely to be tolerated. In summary, the available evidence is currently insufficient to determine the role of this variant in disease. Therefore, it has been classified as a Variant of Uncertain Significance.

NM_001349206.2(LPIN1):c.2731G>A (p.Glu911Lys)

Gene: LPIN1 (lipin 1; plus strand). Cytogenetic location: 2p25.1.
Variant type: single nucleotide variant.
Coding change: c.2731G>A on transcript NM_001349206.2 (MANE Select); coding-DNA position 2731, G replaced by A.
Protein change: p.Glu911Lys; replaces glutamic acid 911 with lysine.
Molecular consequence: missense variant. On other transcripts: non-coding transcript variant (1).
Genome position (GRCh38, 1-based): chr2:11,824,741, G>A. VCF-style: chr2-11824741-G-A. GRCh37 (hg19) VCF-style: chr2-11964867-G-A.
Other names: c.2641G>A, p.Glu881Lys (NM_001261427.3); c.2878G>A, p.Glu960Lys (NM_001261428.3); c.2623G>A, p.Glu875Lys (NM_001349199.2, NM_145693.4); c.2701G>A, p.Glu901Lys (NM_001349200.2, NM_001349201.2); c.2728G>A, p.Glu910Lys (NM_001349202.2, NM_001349203.2); c.2731G>A, p.Glu911Lys (NM_001349204.2, NM_001349205.2); c.2821G>A, p.Glu941Lys (NM_001349207.2); c.2770G>A, p.Glu924Lys (NM_001349208.2); short protein forms E881K, E901K, E910K, E924K, E941K, E911K, E875K, E960K.
Identifiers: ClinVar variation 1990038 (VCV001990038.1), dbSNP rs1162398182, ClinGen allele CA345861089.